The following is an entry in ClinVar:

NM_018127.7(ELAC2):c.700G>A (p.Val234Ile)

Gene: ELAC2 (elaC ribonuclease Z 2; minus strand). Cytogenetic location: 17p12.
Variant type: single nucleotide variant.
Coding change: c.700G>A on transcript NM_018127.7 (MANE Select); coding-DNA position 700, G replaced by A.
Protein change: p.Val234Ile; replaces valine 234 with isoleucine.
Molecular consequence: missense variant.
Genome position (GRCh38, 1-based): chr17:13,010,651, C>T on the plus strand (G>A on the coding strand, the complement: ELAC2 is on the minus strand). VCF-style: chr17-13010651-C-T. GRCh37 (hg19) VCF-style: chr17-12913968-C-T.
Other names: c.580G>A, p.Val194Ile (NM_001165962.2); c.700G>A, p.Val234Ile (NM_173717.2); short protein forms V234I, V194I.
Identifiers: ClinVar variation 695758 (VCV000695758.12), dbSNP rs142803912, ClinGen allele CA8401543.

ClinVar aggregate classification (germline): Likely benign. Review status: criteria provided, multiple submitters, no conflicts (2 of 4 stars). 3 submissions from 3 submitters: Likely benign (2). 1 of the submissions does not count toward it. Last evaluated 2025-10-24.

Conditions:
Combined oxidative phosphorylation defect type 17. Also called: Combined oxidative phosphorylation deficiency 17. Identifiers: Orphanet 369913, MedGen C3809526, MONDO:0014190, OMIM 615440.
ELAC2-related disorder. Also called: ELAC2-related condition.

Allele frequency attached by ClinVar (database versions not stated): gnomAD 0.00006 and 0.00008; TOPMed 0.00009; ESP Exome Variant Server 0.00023; 1000 Genomes Project 30x 0.00031; 1000 Genomes Project 0.00040.
gnomAD v4.1: 224 of 1,614,114 alleles (0.014%); highest among the groups gnomAD compares: South Asian, 0.12%; 1 homozygote.

Submissions (3):

Labcorp Genetics (formerly Invitae), Labcorp
Classification: Likely benign for Combined oxidative phosphorylation defect type 17. Last evaluated: 2025-10-24. Review status: criteria provided, single submitter. Criteria: Invitae Variant Classification Sherloc (09022015). Collection method: clinical testing. Allele origin: germline.

Blueprint Genetics
Classification: Likely benign. Last evaluated: 2023-11-28. Review status: criteria provided, single submitter. Criteria: ACMG Guidelines, 2015. Collection method: clinical testing. Allele origin: germline.

PreventionGenetics, part of Exact Sciences
Classification: Likely benign for ELAC2-related condition. Last evaluated: 2024-04-30. Review status: no assertion criteria provided. Collection method: clinical testing. Allele origin: germline. Not counted in ClinVar's aggregate classification.
Comment: This variant is classified as likely benign based on ACMG/AMP sequence variant interpretation guidelines (Richards et al. 2015 PMID: 25741868, with internal and published modifications).